The following is an entry in ClinVar:

NM_003036.4(SKI):c.1825A>G (p.Lys609Glu)

Gene: SKI (SKI proto-oncogene; plus strand). Cytogenetic location: 1p36.32.
Variant type: single nucleotide variant.
Coding change: c.1825A>G on transcript NM_003036.4 (MANE Select); coding-DNA position 1825, A replaced by G.
Protein change: p.Lys609Glu; replaces lysine 609 with glutamic acid.
Molecular consequence: missense variant.
Genome position (GRCh38, 1-based): chr1:2,306,077, A>G. VCF-style: chr1-2306077-A-G. GRCh37 (hg19) VCF-style: chr1-2237516-A-G.
Other names: short protein forms K609E.
Identifiers: ClinVar variation 3796260 (VCV003796260.1).

ClinVar aggregate classification (germline): Uncertain significance (1 of 4 stars; one submission).

Conditions:
Familial thoracic aortic aneurysm and aortic dissection (TAAD). Also called: Thoracic aortic aneurysms and dissections. Identifiers: Orphanet 91387, MedGen C4707243, MONDO:0019625.

Submission:

Ambry Genetics
Classification: Uncertain significance for Familial thoracic aortic aneurysm and aortic dissection. Last evaluated: 2024-12-28. Review status: criteria provided, single submitter. Criteria: Ambry Variant Classification Scheme 2023. Collection method: clinical testing. Allele origin: germline.
Comment: The p.K609E variant (also known as c.1825A>G), located in coding exon 6 of the SKI gene, results from an A to G substitution at nucleotide position 1825. The lysine at codon 609 is replaced by glutamic acid, an amino acid with similar properties. This amino acid position is conserved. In addition, this alteration is predicted to be deleterious by in silico analysis. Based on the available evidence, the clinical significance of this variant remains unclear.